The following is an entry in ClinVar:

ClinVar aggregate classification (germline): Conflicting classifications of pathogenicity. Review status: criteria provided, conflicting classifications (1 of 4 stars). 2 submissions from 2 submitters: Uncertain significance (1); Likely benign (1). Last evaluated 2026-04-01.

Allele frequency attached by ClinVar (database versions not stated): TOPMed 0.00001.
gnomAD v4.1: 7 of 1,614,182 alleles (0.00043%); highest among the groups gnomAD compares: Non-Finnish European, 0.00051%; no homozygotes.

Submissions (2):

CeGaT Center for Human Genetics Tuebingen
Classification: Likely benign. Last evaluated: 2026-04-01. Review status: criteria provided, single submitter. Criteria: CeGaT Center For Human Genetics Tuebingen Variant Classification Criteria Version 2. Collection method: clinical testing. Allele origin: germline. Affected: yes. Observed: 3 variant alleles.
Comment: SRCAP: BP1

Labcorp Genetics (formerly Invitae), Labcorp
Classification: Uncertain significance. Last evaluated: 2024-05-09. Review status: criteria provided, single submitter. Criteria: Invitae Variant Classification Sherloc (09022015). Collection method: clinical testing. Allele origin: germline.
Comment: This sequence change replaces proline, which is neutral and non-polar, with arginine, which is basic and polar, at codon 1739 of the SRCAP protein (p.Pro1739Arg). This variant is present in population databases (no rsID available, gnomAD 0.0009%). This variant has not been reported in the literature in individuals affected with SRCAP-related conditions. ClinVar contains an entry for this variant (Variation ID: 808031). Advanced modeling of protein sequence and biophysical properties (such as structural, functional, and spatial information, amino acid conservation, physicochemical variation, residue mobility, and thermodynamic stability) performed at Invitae indicates that this missense variant is not expected to disrupt SRCAP protein function with a negative predictive value of 80%. In summary, the available evidence is currently insufficient to determine the role of this variant in disease. Therefore, it has been classified as a Variant of Uncertain Significance.

NM_006662.3(SRCAP):c.5216C>G (p.Pro1739Arg)

Gene: SRCAP (Snf2 related CREBBP activator protein; plus strand). Cytogenetic location: 16p11.2.
Variant type: single nucleotide variant.
Coding change: c.5216C>G on transcript NM_006662.3 (MANE Select); coding-DNA position 5216, C replaced by G.
Protein change: p.Pro1739Arg; replaces proline 1739 with arginine.
Molecular consequence: missense variant.
Genome position (GRCh38, 1-based): chr16:30,724,640, C>G. VCF-style: chr16-30724640-C-G. GRCh37 (hg19) VCF-style: chr16-30735961-C-G.
Other names: short protein forms P1739R.
Identifiers: ClinVar variation 808031 (VCV000808031.44), dbSNP rs757626317, ClinGen allele CA395617876.
Genomic context (GRCh38, chr16:30,724,640, plus strand): 5'-CTCCAGCATCATCCCTGGTACCAACTCCAGCCCAGACACTGTCTTTGGCACCAGGACCAC[C>G]ACTGGGTCCAACTCAGACGCTGTCTCTGGCTCCAGCACCCCCTCTGGCTCCAGCTTCTCC-3'
Protein context (NP_006653.2, residues 1729-1749): AQTLSLAPGP[Pro1739Arg]LGPTQTLSLA